The following is an entry in ClinVar:

ClinVar aggregate classification (germline): Uncertain significance (1 of 4 stars; one submission).

Conditions:
Gastrointestinal stromal tumor. Also called: Gastrointestinal stromal tumor, somatic; Gastrointestinal stroma tumor. Identifiers: Orphanet 44890, MedGen C0238198, MeSH D046152, MONDO:0011719, OMIM 606764, HP:0100723.

Submission:

Labcorp Genetics (formerly Invitae), Labcorp
Classification: Uncertain significance for Gastrointestinal stromal tumor. Last evaluated: 2025-01-14. Review status: criteria provided, single submitter. Criteria: Invitae Variant Classification Sherloc (09022015). Collection method: clinical testing. Allele origin: germline.
Comment: This sequence change falls in intron 13 of the PDGFRA gene. It does not directly change the encoded amino acid sequence of the PDGFRA protein. It affects a nucleotide within the consensus splice site. This variant is not present in population databases (gnomAD no frequency). This variant has not been reported in the literature in individuals affected with PDGFRA-related conditions. ClinVar contains an entry for this variant (Variation ID: 651095). Variants that disrupt the consensus splice site are a relatively common cause of aberrant splicing (PMID: 17576681, 9536098). Algorithms developed to predict the effect of sequence changes on RNA splicing suggest that this variant may disrupt the consensus splice site. In summary, the available evidence is currently insufficient to determine the role of this variant in disease. Therefore, it has been classified as a Variant of Uncertain Significance.

Literature cited by the submitters: PubMed 17576681; PubMed 9536098.

NM_006206.6(PDGFRA):c.1891+2dup

Gene: PDGFRA (platelet derived growth factor receptor alpha; plus strand). Cytogenetic location: 4q12.
Variant type: Duplication.
Coding change: c.1891+2dup on transcript NM_006206.6 (MANE Select); the canonical splice donor site of the intron after coding-DNA position 1891, one base duplicated (T; older notation c.1891+2dupT).
Molecular consequence: splice donor variant.
Genome position (GRCh38, 1-based): chr4:54,277,494, T duplicated. VCF-style (leftmost placement, unchanged base first): chr4-54277493-G-GT. GRCh37 (hg19) VCF-style: chr4-55143660-G-GT.
Other names: c.1891+2dupT (NM_006206.4); c.1966+2dup (NM_001347828.2); c.1891+2dup (NM_001347827.2, NM_001347829.2); c.1930+2dup (NM_001347830.2).
Identifiers: ClinVar variation 651095 (VCV000651095.7), dbSNP rs1577730347, ClinGen allele CA645526421.